The following is an entry in ClinVar:

NM_144643.4(SCLT1):c.312T>A (p.Asp104Glu)

Gene: SCLT1 (sodium channel and clathrin linker 1; minus strand). Cytogenetic location: 4q28.2.
Variant type: single nucleotide variant.
Coding change: c.312T>A on transcript NM_144643.4 (MANE Select); coding-DNA position 312, T replaced by A.
Protein change: p.Asp104Glu; replaces aspartic acid 104 with glutamic acid.
Molecular consequence: missense variant.
Genome position (GRCh38, 1-based): chr4:129,003,855, A>T on the plus strand (T>A on the coding strand, the complement: SCLT1 is on the minus strand). VCF-style: chr4-129003855-A-T. GRCh37 (hg19) VCF-style: chr4-129925010-A-T.
Other names: short protein forms D104E.
Identifiers: ClinVar variation 777805 (VCV000777805.36), dbSNP rs115856712, ClinGen allele CA3079988.

ClinVar aggregate classification (germline): Benign/Likely benign. Review status: criteria provided, multiple submitters, no conflicts (2 of 4 stars). 5 submissions from 5 submitters: Benign (3); Likely benign (1). 1 of the submissions does not count toward it. Last evaluated 2026-08-01.

Conditions:
SCLT1-related disorder. Also called: SCLT1-related condition.

Allele frequency attached by ClinVar (database versions not stated): TOPMed 0.00449; ESP Exome Variant Server 0.00469; 1000 Genomes Project 0.00280; 1000 Genomes Project 30x 0.00312; gnomAD 0.00421 and 0.00444.
gnomAD v4.1: 10,463 of 1,612,140 alleles (0.65%); highest among the groups gnomAD compares: Non-Finnish European, 0.81%; 52 homozygotes.

Submissions (5):

CeGaT Center for Human Genetics Tuebingen
Classification: Likely benign. Last evaluated: 2026-08-01. Review status: criteria provided, single submitter. Criteria: CeGaT Center For Human Genetics Tuebingen Variant Classification Criteria Version 2. Collection method: clinical testing. Allele origin: germline. Affected: yes. Observed: 8 variant alleles.
Comment: SCLT1: BP4, BS2

Labcorp Genetics (formerly Invitae), Labcorp
Classification: Benign. Last evaluated: 2026-02-03. Review status: criteria provided, single submitter. Criteria: Invitae Variant Classification Sherloc (09022015). Collection method: clinical testing. Allele origin: germline.

Blueprint Genetics
Classification: Benign. Last evaluated: 2024-11-26. Review status: criteria provided, single submitter. Criteria: ACMG Guidelines, 2015. Collection method: clinical testing. Allele origin: germline.

Breakthrough Genomics
Classification: Benign. Review status: criteria provided, single submitter. Criteria: ACMG Guidelines, 2015. Collection method: not provided. Allele origin: germline. Inheritance: Unknown mechanism. Affected: yes.

PreventionGenetics, part of Exact Sciences
Classification: Benign for SCLT1-related condition. Last evaluated: 2019-10-29. Review status: no assertion criteria provided. Collection method: clinical testing. Allele origin: germline. Not counted in ClinVar's aggregate classification.
Comment: This variant is classified as benign based on ACMG/AMP sequence variant interpretation guidelines (Richards et al. 2015 PMID: 25741868, with internal and published modifications).